The following is an entry in ClinVar:

NM_005359.6(SMAD4):c.1542A>G (p.Pro514=)

Gene: SMAD4 (SMAD family member 4; plus strand). Cytogenetic location: 18q21.2.
Variant type: single nucleotide variant.
Coding change: c.1542A>G on transcript NM_005359.6 (MANE Select); coding-DNA position 1542, A replaced by G.
Protein change: p.Pro514=; no amino-acid change (proline 514 retained).
Molecular consequence: synonymous variant. On other transcripts: non-coding transcript variant (1).
Genome position (GRCh38, 1-based): chr18:51,078,350, A>G. VCF-style: chr18-51078350-A-G. GRCh37 (hg19) VCF-style: chr18-48604720-A-G.
Other names: c.1542A>G, p.Pro514= (NM_001407041.1, NM_001407042.1).
Identifiers: ClinVar variation 2774530 (VCV002774530.3), dbSNP rs2144478839, ClinGen allele CA503874016.

ClinVar aggregate classification (germline): Benign/Likely benign. Review status: criteria provided, multiple submitters, no conflicts (2 of 4 stars). 2 submissions from 2 submitters: Benign (1); Likely benign (1). Last evaluated 2025-03-24.

Conditions:
Juvenile polyposis/hereditary hemorrhagic telangiectasia syndrome (JPHT). Also called: JP/HHT SYNDROME; JUVENILE POLYPOSIS WITH HEREDITARY HEMORRHAGIC TELANGIECTASIA; POLYPOSIS, GENERALIZED JUVENILE, WITH PULMONARY ARTERIOVENOUS MALFORMATION; TELANGIECTASIA, HEREDITARY HEMORRHAGIC, WITH JUVENILE POLYPOSIS COLI; Juvenile Polyposis Syndrome / Hereditary Hemorrhagic Telangiectasia (JPS/HHT). Identifiers: Orphanet 2929, MedGen C1832942, MONDO:0008278, OMIM 175050.
Hereditary cancer-predisposing syndrome. Also called: Neoplastic Syndromes, Hereditary; Tumor predisposition; Hereditary neoplastic syndrome; Hereditary Cancer Syndrome. Identifiers: Orphanet 140162, MedGen C0027672, MeSH D009386, MONDO:0015356.

Submissions (2):

Myriad Genetics, Inc.
Classification: Benign for Juvenile polyposis/hereditary hemorrhagic telangiectasia syndrome. Last evaluated: 2025-03-24. Review status: criteria provided, single submitter. Criteria: Myriad Autosomal Dominant, Autosomal Recessive and X-Linked Classification Criteria (2023). Collection method: clinical testing. Allele origin: unknown.
Comment: This variant is considered benign. This variant is a silent/synonymous amino acid change and it is not expected to impact splicing.

Color Diagnostics, LLC DBA Color Health
Classification: Likely benign for Hereditary cancer-predisposing syndrome. Last evaluated: 2022-05-06. Review status: criteria provided, single submitter. Criteria: ACMG Guidelines, 2015. Collection method: clinical testing. Allele origin: germline.